The following is an entry in ClinVar:

ClinVar aggregate classification (germline): Uncertain significance (1 of 4 stars; one submission).

Conditions:
Long QT syndrome (LQTS). Identifiers: MedGen C0023976, MeSH D008133, MONDO:0002442. Disease mechanism: loss of function. Inheritance: Various modes of inheritance.

Submission:

All of Us Research Program, National Institutes of Health
Classification: Uncertain significance for Long QT syndrome. Last evaluated: 2023-05-16. Review status: criteria provided, single submitter. Criteria: ACMG Guidelines, 2015. Collection method: clinical testing. Allele origin: germline. Inheritance: Autosomal dominant inheritance. Observed: 1 variant allele, 1 heterozygote.
Comment: This variant causes a C to G nucleotide substitution at the -13 position of intron 7 of the KCNH2 gene. To our knowledge, functional studies have not been reported for this variant. This variant has not been reported in individuals affected with KCNH2-related disorders in the literature. This variant has not been identified in the general population by the Genome Aggregation Database (gnomAD). The available evidence is insufficient to determine the role of this variant in disease conclusively. Therefore, this variant is classified as a Variant of Uncertain Significance.

This study involves interpretation of variants in research participants for the purpose of population health screening. Participant phenotype was not available at the time of variant classification. Additional details can be found in publication PMID: 35346344, PMCID: PMC8962531

NM_000238.4(KCNH2):c.1946-13C>G

Gene: KCNH2 (potassium voltage-gated channel subfamily H member 2; minus strand). Cytogenetic location: 7q36.1.
Variant type: single nucleotide variant.
Coding change: c.1946-13C>G on transcript NM_000238.4 (MANE Select); 13 bases into the intron before coding-DNA position 1946, C replaced by G.
Molecular consequence: intron variant.
Genome position (GRCh38, 1-based): chr7:150,951,133, G>C on the plus strand (C>G on the coding strand, the complement: KCNH2 is on the minus strand). VCF-style: chr7-150951133-G-C. GRCh37 (hg19) VCF-style: chr7-150648221-G-C.
Other names: c.1658-13C>G (NM_001406753.1, NM_001406756.1); c.926-13C>G (NM_172057.3, NM_001204798.2); c.1946-13C>G (NM_172056.3); c.1769-13C>G (NM_001406755.1); c.1646-13C>G (NM_001406757.1).
Identifiers: ClinVar variation 3071022 (VCV003071022.1), dbSNP rs2486032513, ClinGen allele CA2825001557.